The following is an entry in ClinVar:

NM_002230.4(JUP):c.2187C>T (p.Tyr729=)

Gene: JUP (junction plakoglobin; minus strand). Cytogenetic location: 17q21.2.
Variant type: single nucleotide variant.
Coding change: c.2187C>T on transcript NM_002230.4 (MANE Select); coding-DNA position 2187, C replaced by T.
Protein change: p.Tyr729=; no amino-acid change (tyrosine 729 retained).
Molecular consequence: synonymous variant.
Genome position (GRCh38, 1-based): chr17:41,755,795, G>A on the plus strand (C>T on the coding strand, the complement: JUP is on the minus strand). VCF-style: chr17-41755795-G-A. GRCh37 (hg19) VCF-style: chr17-39912047-G-A.
Other names: c.2187C>T, p.Tyr729= (NM_001352773.2, NM_001352774.2, NM_001352775.2 and 3 more transcripts).
Identifiers: ClinVar variation 3363362 (VCV003363362.1).

ClinVar aggregate classification (germline): Uncertain significance (1 of 4 stars; one submission).

gnomAD v4.1: 9 of 1,612,726 alleles (0.00056%); highest among the groups gnomAD compares: Non-Finnish European, 0.00076%; no homozygotes.

Submission:

GeneDx
Classification: Uncertain significance. Last evaluated: 2023-10-27. Review status: criteria provided, single submitter. Criteria: GeneDx Variant Classification Process June 2021. Collection method: clinical testing. Allele origin: germline. Affected: yes.
Comment: Has not been previously published as pathogenic or benign to our knowledge; Not observed at significant frequency in large population cohorts (gnomAD); In silico analysis supports that this variant does not alter splicing